The following is an entry in ClinVar:

ClinVar aggregate classification (germline): Uncertain significance. Review status: criteria provided, multiple submitters, no conflicts (2 of 4 stars). 2 submissions from 2 submitters: Uncertain significance (2). Last evaluated 2025-04-09.

Allele frequency attached by ClinVar (database versions not stated): ExAC 0.00004; ESP Exome Variant Server 0.00008.

Submissions (2):

Labcorp Genetics (formerly Invitae), Labcorp
Classification: Uncertain significance. Last evaluated: 2025-04-09. Review status: criteria provided, single submitter. Criteria: Invitae Variant Classification Sherloc (09022015). Collection method: clinical testing. Allele origin: germline.
Comment: This sequence change replaces arginine, which is basic and polar, with histidine, which is basic and polar, at codon 1907 of the SPTB protein (p.Arg1907His). This variant is present in population databases (rs368348495, gnomAD 0.02%). This variant has not been reported in the literature in individuals affected with SPTB-related conditions. ClinVar contains an entry for this variant (Variation ID: 2436425). An algorithm developed to predict the effect of missense changes on protein structure and function (PolyPhen-2) suggests that this variant is likely to be disruptive. In summary, the available evidence is currently insufficient to determine the role of this variant in disease. Therefore, it has been classified as a Variant of Uncertain Significance.

Revvity Omics, Revvity
Classification: Uncertain significance. Last evaluated: 2024-08-12. Review status: criteria provided, single submitter. Criteria: ACMG Guidelines, 2015. Collection method: clinical testing. Allele origin: germline.

NM_001355436.2(SPTB):c.5720G>A (p.Arg1907His)

Gene: SPTB (spectrin beta, erythrocytic; minus strand). Cytogenetic location: 14q23.3.
Variant type: single nucleotide variant.
Coding change: c.5720G>A on transcript NM_001355436.2 (MANE Select); coding-DNA position 5720, G replaced by A.
Protein change: p.Arg1907His; replaces arginine 1907 with histidine.
Molecular consequence: missense variant.
Genome position (GRCh38, 1-based): chr14:64,770,963, C>T on the plus strand (G>A on the coding strand, the complement: SPTB is on the minus strand). VCF-style: chr14-64770963-C-T. GRCh37 (hg19) VCF-style: chr14-65237681-C-T.
Other names: c.5720G>A, p.Arg1907His (NM_001024858.4, NM_001355437.2); short protein forms R1907H.
Identifiers: ClinVar variation 2436425 (VCV002436425.4), dbSNP rs368348495, ClinGen allele CA7229879.